The following is an entry in ClinVar:

NM_022132.5(MCCC2):c.1216+2T>C

Gene: MCCC2 (methylcrotonyl-CoA carboxylase subunit 2; plus strand). Cytogenetic location: 5q13.2.
Variant type: single nucleotide variant.
Coding change: c.1216+2T>C on transcript NM_022132.5 (MANE Select); the canonical splice donor site of the intron after coding-DNA position 1216, T replaced by C.
Molecular consequence: splice donor variant.
Genome position (GRCh38, 1-based): chr5:71,646,279, T>C. VCF-style: chr5-71646279-T-C. GRCh37 (hg19) VCF-style: chr5-70942106-T-C.
Other names: c.1102+2T>C (NM_001363147.1).
Identifiers: ClinVar variation 535829 (VCV000535829.10), dbSNP rs1554138265, ClinGen allele CA359994770.
Genomic context (GRCh38, chr5:71,646,279, plus strand): 5'-CTTTGTCCAGTTATGCTGCCAAAGAAATATTCCTCTGCTGTTCCTTCAAAACATTACTGG[T>C]AAGAAAATAGCTTAATCAGTTTGGTTGTATTGATTCCAGAGCTGTACCATCAGTGTGGCT-3'

ClinVar aggregate classification (germline): Likely pathogenic. Review status: criteria provided, multiple submitters, no conflicts (2 of 4 stars). 4 submissions from 4 submitters: Likely pathogenic (4). Last evaluated 2025-08-25.

Conditions:
Methylcrotonyl-CoA carboxylase deficiency. Also called: 3 Methylcrotonylglycinuria; Deficiency of methylcrotonoyl-CoA carboxylase; 3-MCC Deficiency. Identifiers: Orphanet 6, MedGen C4551505, MONDO:0018950.
3-methylcrotonyl-CoA carboxylase 2 deficiency. Also called: METHYLCROTONYLGLYCINURIA, TYPE II; 3 alpha methylcrotonyl-CoA carboxylase 2 deficiency; 3 alpha methylcrotonylglycinuria 2; MCC 2 deficiency; Methylcrotonylglycinuria type 2. Identifiers: Orphanet 6, MedGen C1859499, MONDO:0008862, OMIM 210210.

Submissions (4):

Labcorp Genetics (formerly Invitae), Labcorp
Classification: Likely pathogenic for 3-methylcrotonyl-CoA carboxylase 2 deficiency. Last evaluated: 2025-08-25. Review status: criteria provided, single submitter. Criteria: Invitae Variant Classification Sherloc (09022015). Collection method: clinical testing. Allele origin: germline.
Comment: This sequence change affects a donor splice site in intron 13 of the MCCC2 gene. It is expected to disrupt RNA splicing. Variants that disrupt the donor or acceptor splice site typically lead to a loss of protein function (PMID: 16199547), and loss-of-function variants in MCCC2 are known to be pathogenic (PMID: 11181649, 22642865). This variant is not present in population databases (gnomAD no frequency). This variant has not been reported in the literature in individuals affected with MCCC2-related conditions. ClinVar contains an entry for this variant (Variation ID: 535829). Algorithms developed to predict the effect of sequence changes on RNA splicing suggest that this variant may disrupt the consensus splice site. In summary, the currently available evidence indicates that the variant is pathogenic, but additional data are needed to prove that conclusively. Therefore, this variant has been classified as Likely Pathogenic.

Natera, Inc.
Classification: Likely pathogenic for 3-methylcrotonyl-CoA carboxylase 2 deficiency. Last evaluated: 2025-01-22. Review status: criteria provided, single submitter. Criteria: Natera Variant Classification Schema (03/2026). Collection method: clinical testing. Allele origin: germline.
Comment: The c.1216+2T>C variant in MCCC2 is a canonical splice donor site variant predicted to affect pre-mRNA splicing, which may result in an abnormal transcript and altered protein product. This variant is expected to result in nonsense mediated decay, truncation, or a dysfunctional protein product. This variant is rare in the general population with a frequency below the threshold expected for the associated phenotype(s). Given the available evidence, this variant is classified as Likely Pathogenic.

Baylor Genetics
Classification: Likely pathogenic for 3-methylcrotonyl-CoA carboxylase 2 deficiency. Last evaluated: 2023-09-30. Review status: criteria provided, single submitter. Criteria: ACMG Guidelines, 2015. Collection method: clinical testing. Allele origin: unknown.

Women's Health and Genetics/Laboratory Corporation of America, LabCorp
Classification: Likely pathogenic for Methylcrotonyl-CoA carboxylase deficiency. Last evaluated: 2022-03-04. Review status: criteria provided, single submitter. Criteria: LabCorp Variant Classification Summary - May 2015. Collection method: clinical testing. Allele origin: germline.
Comment: Variant summary: MCCC2 c.1216+2T>C is located in a canonical splice-site and is predicted to affect mRNA splicing resulting in a significantly altered protein due to either exon skipping, shortening, or inclusion of intronic material. Several computational tools predict a significant impact on normal splicing: Two predict the variant abolishes a 5 prime splicing donor site; one predict the variant weakens a 5 prime donor site. However, these predictions have yet to be confirmed by functional studies. The variant was absent in 251086 control chromosomes. c.1216+2T>C has been reported in the literature in individuals affected with Methylcrotonyl-CoA Carboxylase Deficiency. These report(s) do not provide unequivocal conclusions about association of the variant with Methylcrotonyl-CoA Carboxylase Deficiency. To our knowledge, no experimental evidence demonstrating an impact on protein function has been reported. One clinical diagnostic laboratory has submitted clinical-significance assessments for this variant to ClinVar after 2014 without evidence for independent evaluation and classified the variant as likely pathogenic. Based on the evidence outlined above, the variant was classified as likely pathogenic.

Literature cited by the submitters: PubMed 16199547 (cited by Labcorp Genetics (formerly Invitae), Labcorp); PubMed 11181649 (cited by Labcorp Genetics (formerly Invitae), Labcorp); PubMed 22642865 (cited by Labcorp Genetics (formerly Invitae), Labcorp); PubMed 27601257 (cited by Women's Health and Genetics/Laboratory Corporation of America, LabCorp).